The following is an entry in ClinVar:

NM_022893.4(BCL11A):c.1285_1288dup (p.Lys430fs)

Gene: BCL11A (BCL11 transcription factor A; minus strand). Cytogenetic location: 2p16.1.
Variant type: Microsatellite.
Coding change: c.1285_1288dup on transcript NM_022893.4 (MANE Select); coding-DNA positions 1285 to 1288, 4 bases duplicated (CACA; older notation c.1285_1288dupCACA).
Protein change: p.Lys430fs; shifts the reading frame from lysine 430.
Molecular consequence: frameshift variant. On other transcripts: intron variant (1).
Genome position (GRCh38, 1-based): chr2:60,461,624-60,461,627, TGTG duplicated on the plus strand (CACA on the coding strand, the reverse complement: BCL11A is on the minus strand). VCF-style (leftmost placement, unchanged base first): chr2-60461623-T-TTGTG. GRCh37 (hg19) VCF-style: chr2-60688758-T-TTGTG.
Other names: c.1183_1186dup, p.Lys396fs (NM_001363864.1, NM_001365609.1); c.1285_1288dup, p.Lys430fs (NM_018014.4); c.630+655CA[4] (NM_138559.2); short protein forms K396fs, K430fs.
Identifiers: ClinVar variation 524144 (VCV000524144.2), dbSNP rs1553403363, ClinGen allele CA658795800.

ClinVar aggregate classification (germline): Pathogenic (1 of 4 stars; one submission).

Submission:

GeneDx
Classification: Pathogenic. Last evaluated: 2018-04-20. Review status: criteria provided, single submitter. Criteria: GeneDx Variant Classification (06012015). Collection method: clinical testing. Allele origin: germline. Affected: yes.
Comment: The c.1285_1288dupCACA variant in the BCL11A gene has not been reported previously as a pathogenic variant nor as a benign variant, to our knowledge. This variant causes a frameshift starting with codon Lysine 430, changes this amino acid to a Threonine residue, and creates a premature Stop codon at position 143 of the new reading frame, denoted p.Lys430ThrfsX143. The c.1285_1288dupCACA variant is predicted to cause loss of normal protein function through protein truncation. This variant is not observed in large population cohorts (Lek et al., 2016). We interpret c.1285_1288dupCACA as a pathogenic variant.